The following is an entry in ClinVar:

NM_020921.4(NIN):c.3013A>G (p.Arg1005Gly)

Gene: NIN (ninein; minus strand). Cytogenetic location: 14q22.1.
Variant type: single nucleotide variant.
Coding change: c.3013A>G on transcript NM_020921.4 (MANE Select); coding-DNA position 3013, A replaced by G.
Protein change: p.Arg1005Gly; replaces arginine 1005 with glycine.
Molecular consequence: missense variant. On other transcripts: intron variant (1).
Genome position (GRCh38, 1-based): chr14:50,758,017, T>C on the plus strand (A>G on the coding strand, the complement: NIN is on the minus strand). VCF-style: chr14-50758017-T-C. GRCh37 (hg19) VCF-style: chr14-51224735-T-C.
Other names: c.3013A>G, p.Arg1005Gly (NM_182944.3, NM_182946.2); c.2399+1840A>G (NM_016350.5); short protein forms R1005G.
Identifiers: ClinVar variation 4759728 (VCV004759728.1).

ClinVar aggregate classification (germline): Uncertain significance (1 of 4 stars; one submission).

gnomAD v4.1: 9 of 1,614,256 alleles (0.00056%); highest among the groups gnomAD compares: South Asian, 0.0077%; no homozygotes.

Submission:

Labcorp Genetics (formerly Invitae), Labcorp
Classification: Uncertain significance. Last evaluated: 2025-07-03. Review status: criteria provided, single submitter. Criteria: Invitae Variant Classification Sherloc (09022015). Collection method: clinical testing. Allele origin: germline.
Comment: This sequence change replaces arginine, which is basic and polar, with glycine, which is neutral and non-polar, at codon 1005 of the NIN protein (p.Arg1005Gly). This variant is present in population databases (rs757963645, gnomAD 0.01%). This variant has not been reported in the literature in individuals affected with NIN-related conditions. An algorithm developed to predict the effect of missense changes on protein structure and function (PolyPhen-2) suggests that this variant is likely to be tolerated. In summary, the available evidence is currently insufficient to determine the role of this variant in disease. Therefore, it has been classified as a Variant of Uncertain Significance.